The following is an entry in ClinVar:

NM_006206.6(PDGFRA):c.2803A>G (p.Ser935Gly)

Gene: PDGFRA (platelet derived growth factor receptor alpha; plus strand). Cytogenetic location: 4q12.
Variant type: single nucleotide variant.
Coding change: c.2803A>G on transcript NM_006206.6 (MANE Select); coding-DNA position 2803, A replaced by G.
Protein change: p.Ser935Gly; replaces serine 935 with glycine.
Molecular consequence: missense variant.
Genome position (GRCh38, 1-based): chr4:54,289,037, A>G. VCF-style: chr4-54289037-A-G. GRCh37 (hg19) VCF-style: chr4-55155204-A-G.
Other names: c.2878A>G, p.Ser960Gly (NM_001347828.2); c.2803A>G, p.Ser935Gly (NM_001347829.2); c.2842A>G, p.Ser948Gly (NM_001347830.2); short protein forms S935G, S948G, S960G.
Identifiers: ClinVar variation 2008529 (VCV002008529.4), dbSNP rs111766115, ClinGen allele CA96829342.

ClinVar aggregate classification (germline): Uncertain significance (1 of 4 stars; one submission).

Conditions:
Gastrointestinal stromal tumor. Also called: Gastrointestinal stroma tumor; Gastrointestinal stromal tumor, somatic. Identifiers: Orphanet 44890, MedGen C0238198, MeSH D046152, MONDO:0011719, OMIM 606764, HP:0100723.

Submission:

Labcorp Genetics (formerly Invitae), Labcorp
Classification: Uncertain significance for Gastrointestinal stromal tumor. Last evaluated: 2022-06-19. Review status: criteria provided, single submitter. Criteria: Invitae Variant Classification Sherloc (09022015). Collection method: clinical testing. Allele origin: germline.
Comment: In summary, the available evidence is currently insufficient to determine the role of this variant in disease. Therefore, it has been classified as a Variant of Uncertain Significance. Algorithms developed to predict the effect of missense changes on protein structure and function are either unavailable or do not agree on the potential impact of this missense change (SIFT: "Tolerated"; PolyPhen-2: "Possibly Damaging"; Align-GVGD: "Class C0"). This variant has not been reported in the literature in individuals affected with PDGFRA-related conditions. This variant is not present in population databases (gnomAD no frequency). This sequence change replaces serine, which is neutral and polar, with glycine, which is neutral and non-polar, at codon 935 of the PDGFRA protein (p.Ser935Gly).